The following is an entry in ClinVar:

ClinVar aggregate classification (germline): Conflicting classifications of pathogenicity. Review status: criteria provided, conflicting classifications (1 of 4 stars). 12 submissions from 12 submitters: Uncertain significance (2); Benign (2); Likely benign (7). 1 of the submissions does not count toward it. Last evaluated 2026-01-18.

Conditions:
TSC2-related disorder. Also called: TSC2-Related Disorders; TSC2-related condition.
Hereditary cancer-predisposing syndrome. Also called: Hereditary Cancer Syndrome; Neoplastic Syndromes, Hereditary; Hereditary neoplastic syndrome; Tumor predisposition. Identifiers: Orphanet 140162, MedGen C0027672, MeSH D009386, MONDO:0015356.
Tuberous sclerosis syndrome (TSC). Also called: Tuberous Sclerosis Complex; Tuberous sclerosis. Identifiers: Orphanet 805, MedGen C0041341, MONDO:0001734.
Tuberous sclerosis 2 (TSC2). Identifiers: Orphanet 805, MedGen C1860707, MONDO:0013199, OMIM 613254.

Allele frequency attached by ClinVar (database versions not stated): gnomAD 0.00003 and 0.00004; TOPMed 0.00004; gnomAD exomes 0.00007 and 0.00009; ExAC 0.00027.
gnomAD v4.1: 102 of 1,601,564 alleles (0.0064%); highest among the groups gnomAD compares: Non-Finnish European, 0.0083%; no homozygotes.

Submissions (12):

Labcorp Genetics (formerly Invitae), Labcorp
Classification: Benign for Tuberous sclerosis 2. Last evaluated: 2026-01-18. Review status: criteria provided, single submitter. Criteria: Invitae Variant Classification Sherloc (09022015). Collection method: clinical testing. Allele origin: germline.

PreventionGenetics, part of Exact Sciences
Classification: Likely benign for TSC2-related condition. Last evaluated: 2025-12-31. Review status: criteria provided, single submitter. Criteria: ACMG Guidelines, 2015. Collection method: clinical testing. Allele origin: germline.
Comment: This variant is classified as likely benign based on ACMG/AMP sequence variant interpretation guidelines (Richards et al. 2015 PMID: 25741868, with internal and published modifications).

Quest Diagnostics Nichols Institute San Juan Capistrano
Classification: Likely benign. Last evaluated: 2025-11-07. Review status: criteria provided, single submitter. Criteria: Quest Diagnostics criteria. Collection method: clinical testing. Allele origin: unknown.

Myriad Genetics, Inc.
Classification: Likely benign for Tuberous sclerosis 2. Last evaluated: 2025-05-28. Review status: criteria provided, single submitter. Criteria: Myriad Autosomal Dominant, Autosomal Recessive and X-Linked Classification Criteria (2023). Collection method: clinical testing. Allele origin: unknown.
Comment: This variant is considered likely benign. This variant has been observed at a population frequency that is significantly greater than expected given the associated disease prevalence and penetrance.

Women's Health and Genetics/Laboratory Corporation of America, LabCorp
Classification: Likely benign. Last evaluated: 2024-10-04. Review status: criteria provided, single submitter. Criteria: LabCorp Variant Classification Summary - May 2015. Collection method: clinical testing. Allele origin: germline.
Comment: Variant summary: TSC2 c.3377A>T (p.Asp1126Val) results in a non-conservative amino acid change in the encoded protein sequence. Four of five in-silico tools predict a damaging effect of the variant on protein function. The variant allele was found at a frequency of 9.4e-05 in 224512 control chromosomes, predominantly at a frequency of 0.0002 within the Non-Finnish European subpopulation in the gnomAD database. The observed variant frequency within Non-Finnish European control individuals in the gnomAD database is approximately 2.91 fold of the estimated maximal expected allele frequency for a pathogenic variant in TSC2 causing Tuberous Sclerosis Complex phenotype (6.9e-05). To our knowledge, no occurrence of c.3377A>T in individuals affected with Tuberous Sclerosis Complex and no experimental evidence demonstrating its impact on protein function have been reported. ClinVar contains an entry for this variant (Variation ID: 64927). Based on the evidence outlined above, the variant was classified as likely benign.

All of Us Research Program, National Institutes of Health
Classification: Uncertain significance for Tuberous sclerosis syndrome. Last evaluated: 2024-07-20. Review status: criteria provided, single submitter. Criteria: ACMG Guidelines, 2015. Collection method: clinical testing. Allele origin: germline. Inheritance: Autosomal dominant inheritance. Observed: 7 variant alleles, 7 heterozygotes.
Comment: This missense variant replaces aspartic acid with valine at codon 1126 of the TSC2 protein. Computational prediction is inconclusive regarding the impact of this variant on protein structure and function (internally defined REVEL score threshold 0.5 < inconclusive < 0.7, PMID: 27666373). To our knowledge, functional studies have not been reported for this variant. This variant has not been reported in individuals affected with tuberous sclerosis complex in the literature. This variant has been identified in 23/255854 chromosomes in the general population by the Genome Aggregation Database (gnomAD). The available evidence is insufficient to determine the role of this variant in disease conclusively. Therefore, this variant is classified as a Variant of Uncertain Significance.

This study involves interpretation of variants in research participants for the purpose of population health screening. Participant phenotype was not available at the time of variant classification. Additional details can be found in publication PMID: 35346344, PMCID: PMC8962531

Color Diagnostics, LLC DBA Color Health
Classification: Uncertain significance for Tuberous sclerosis syndrome. Last evaluated: 2024-07-11. Review status: criteria provided, single submitter. Criteria: ACMG Guidelines, 2015. Collection method: clinical testing. Allele origin: germline.
Comment: This missense variant replaces aspartic acid with valine at codon 1126 of the TSC2 protein. Computational prediction is inconclusive regarding the impact of this variant on protein structure and function. To our knowledge, functional studies have not been reported for this variant. This variant has not been reported in individuals affected with TSC2-related disorders in the literature. This variant has been identified in 23/255854 chromosomes in the general population by the Genome Aggregation Database (gnomAD). The available evidence is insufficient to determine the role of this variant in disease conclusively. Therefore, this variant is classified as a Variant of Uncertain Significance.

Blueprint Genetics
Classification: Likely benign. Last evaluated: 2023-12-18. Review status: criteria provided, single submitter. Criteria: ACMG Guidelines, 2015. Collection method: clinical testing. Allele origin: germline.

Genome-Nilou Lab
Classification: Benign for Tuberous sclerosis 2. Last evaluated: 2021-11-07. Review status: criteria provided, single submitter. Criteria: ACMG Guidelines, 2015. Collection method: clinical testing. Allele origin: germline. Affected: no.

Ambry Genetics
Classification: Likely benign for Hereditary cancer-predisposing syndrome. Last evaluated: 2020-10-02. Review status: criteria provided, single submitter. Criteria: Ambry Variant Classification Scheme 2023. Collection method: clinical testing. Allele origin: germline.

GeneDx
Classification: Likely benign. Last evaluated: 2019-09-27. Review status: criteria provided, single submitter. Criteria: GeneDx Variant Classification Process June 2021. Collection method: clinical testing. Allele origin: germline. Affected: yes.
Comment: This variant is associated with the following publications: (PMID: 24770934, 23514105)

Tuberous sclerosis database (TSC2)
No classification provided. Condition: TSC. Review status: no classification provided. Criteria: Tuberous Sclerosis Database Assertion Criteria 2015. Collection method: curation. Allele origin: germline. Affected: yes. Not counted in ClinVar's aggregate classification.

Literature cited by the submitters: PubMed 2039137 (cited by Ambry Genetics).

NM_000548.5(TSC2):c.3377A>T (p.Asp1126Val)

Gene: TSC2 (TSC complex subunit 2; plus strand). Cytogenetic location: 16p13.3.
Variant type: single nucleotide variant.
Coding change: c.3377A>T on transcript NM_000548.5 (MANE Select); coding-DNA position 3377, A replaced by T.
Protein change: p.Asp1126Val; replaces aspartic acid 1126 with valine.
Molecular consequence: missense variant.
Genome position (GRCh38, 1-based): chr16:2,079,649, A>T. VCF-style: chr16-2079649-A-T. GRCh37 (hg19) VCF-style: chr16-2129650-A-T.
Other names: c.3245A>T, p.Asp1082Val (NM_001077183.3, NM_001370404.1); c.3377A>T, p.Asp1126Val (NM_001114382.3); c.3137A>T, p.Asp1046Val (NM_001318827.2); c.3101A>T, p.Asp1034Val (NM_001318829.2); c.2645A>T, p.Asp882Val (NM_001318831.2); c.3278A>T, p.Asp1093Val (NM_001318832.2); c.3248A>T, p.Asp1083Val (NM_001363528.2, NM_001370405.1, NM_021055.3); c.3377A>T (NM_000548.4); short protein forms D1126V, D1082V, D1083V, D1093V, D1034V, D1046V, D882V.
Identifiers: ClinVar variation 64927 (VCV000064927.28), dbSNP rs397514945, ClinGen allele CA019052.